The following is an entry in ClinVar:

NM_015311.3(OBSL1):c.4847T>G (p.Leu1616Arg)

Gene: OBSL1 (obscurin like cytoskeletal adaptor 1; minus strand). Cytogenetic location: 2q35.
Variant type: single nucleotide variant.
Coding change: c.4847T>G on transcript NM_015311.3 (MANE Select); coding-DNA position 4847, T replaced by G.
Protein change: p.Leu1616Arg; replaces leucine 1616 with arginine.
Molecular consequence: missense variant.
Genome position (GRCh38, 1-based): chr2:219,554,503, A>C on the plus strand (T>G on the coding strand, the complement: OBSL1 is on the minus strand). VCF-style: chr2-219554503-A-C. GRCh37 (hg19) VCF-style: chr2-220419225-A-C.
Other names: c.4847T>G (NM_015311.2); short protein forms L1616R.
Identifiers: ClinVar variation 2148837 (VCV002148837.8), dbSNP rs766718073, ClinGen allele CA350722737.
Genomic context (GRCh38, chr2:219,554,503, plus strand): 5'-AGCAGGCAGGCTGTGGTCCTGGAGGCCACACCTCTCACAATGAGTCTGGCTGCGCAGCGC[A>C]GGGAATCCGCTGTGAAGGAGACACAGCCTGAGTCGGCCAGGCCCAGGCCATTGAGTACCA-3'
Protein context (NP_056126.1, residues 1606-1626): SGCVSFTADS[Leu1616Arg]RCAARLIVRE

ClinVar aggregate classification (germline): Uncertain significance. Review status: criteria provided, multiple submitters, no conflicts (2 of 4 stars). 3 submissions from 3 submitters: Uncertain significance (3). Last evaluated 2025-05-29.

Conditions:
Inborn genetic diseases. Identifiers: MedGen C0950123, MeSH D030342.

gnomAD v4.1: 13 of 1,613,148 alleles (0.00081%); highest among the groups gnomAD compares: Non-Finnish European, 0.0011%; no homozygotes.

Submissions (3):

Ambry Genetics
Classification: Uncertain significance for Inborn genetic diseases. Last evaluated: 2025-05-29. Review status: criteria provided, single submitter. Criteria: Ambry Variant Classification Scheme 2023. Collection method: clinical testing. Allele origin: germline.

GeneDx
Classification: Uncertain significance. Last evaluated: 2022-08-05. Review status: criteria provided, single submitter. Criteria: GeneDx Variant Classification Process June 2021. Collection method: clinical testing. Allele origin: germline. Affected: yes.
Comment: Not observed at significant frequency in large population cohorts (gnomAD); In silico analysis supports that this missense variant does not alter protein structure/function; Has not been previously published as pathogenic or benign to our knowledge

Labcorp Genetics (formerly Invitae), Labcorp
Classification: Uncertain significance. Last evaluated: 2022-06-19. Review status: criteria provided, single submitter. Criteria: Invitae Variant Classification Sherloc (09022015). Collection method: clinical testing. Allele origin: germline.
Comment: This sequence change replaces leucine, which is neutral and non-polar, with arginine, which is basic and polar, at codon 1616 of the OBSL1 protein (p.Leu1616Arg). This variant is not present in population databases (gnomAD no frequency). This variant has not been reported in the literature in individuals affected with OBSL1-related conditions. Algorithms developed to predict the effect of missense changes on protein structure and function are either unavailable or do not agree on the potential impact of this missense change (SIFT: "Deleterious"; PolyPhen-2: "Probably Damaging"; Align-GVGD: "Class C0"). In summary, the available evidence is currently insufficient to determine the role of this variant in disease. Therefore, it has been classified as a Variant of Uncertain Significance.